The following is an entry in ClinVar:

NC_000003.12:g.120644443_120644444del

Gene: HGD (homogentisate 1,2-dioxygenase; minus strand). Cytogenetic location: 3q13.33.
Variant type: Deletion.
Genome position: GRCh38 VCF-style: chr3-120644440-GCC-G. GRCh37 (hg19) VCF-style: chr3-120363287-GCC-G.
Identifiers: ClinVar variation 643931 (VCV000643931.8), dbSNP rs786204662, ClinGen allele CA915941535.
Genomic context (GRCh38, chr3:120,644,440, plus strand): 5'-TGGCGATCCTCATACCAGGCAATGGGTATCAAGAAATCACGAGGATTGGCCAAGCCATTG[GCC>G]CCTAGAAAACAGTAACCCAAAAGTCTTTTAGAAACTTCCAAAACATAGGAAAGATGCCCA-3'

ClinVar aggregate classification (germline): Pathogenic (1 of 4 stars; one submission).

Conditions:
Alkaptonuria (AKU). Also called: Homogentisic acidura; Alcaptonuria; HOMOGENTISIC ACID OXIDASE DEFICIENCY; Alkaptonuric ochronosis. Identifiers: Orphanet 56, MedGen C0002066, MONDO:0008753, OMIM 203500.

Submission:

Labcorp Genetics (formerly Invitae), Labcorp
Classification: Pathogenic for Alkaptonuria. Last evaluated: 2018-07-31. Review status: criteria provided, single submitter. Criteria: Invitae Variant Classification Sherloc (09022015). Collection method: clinical testing. Allele origin: germline.
Comment: This sequence change creates a premature translational stop signal (p.Ala218Glnfs*8) in the HGD gene. It is expected to result in an absent or disrupted protein product. This variant is not present in population databases (ExAC no frequency). This variant has not been reported in the literature in individuals with HGD-related disease. Loss-of-function variants in HGD are known to be pathogenic (PMID: 12501223, 19862842). For these reasons, this variant has been classified as Pathogenic.

Literature cited by the submitters: PubMed 12501223; PubMed 19862842.